The following is an entry in ClinVar:

NM_000393.5(COL5A2):c.1645G>C (p.Gly549Arg)

Gene: COL5A2 (collagen type V alpha 2 chain; minus strand). Cytogenetic location: 2q32.2.
Variant type: single nucleotide variant.
Coding change: c.1645G>C on transcript NM_000393.5 (MANE Select); coding-DNA position 1645, G replaced by C.
Protein change: p.Gly549Arg; replaces glycine 549 with arginine.
Molecular consequence: missense variant.
Genome position (GRCh38, 1-based): chr2:189,064,628, C>G on the plus strand (G>C on the coding strand, the complement: COL5A2 is on the minus strand). VCF-style: chr2-189064628-C-G. GRCh37 (hg19) VCF-style: chr2-189929354-C-G.
Other names: short protein forms G549R.
Identifiers: ClinVar variation 948021 (VCV000948021.11), dbSNP rs778171609, ClinGen allele CA349850650.
Genomic context (GRCh38, chr2:189,064,628, plus strand): 5'-GAAGCCCAGGTTCCCCTGGACGTCCTGGATCCCCCTGGCTTCCTTTGGGTCCTGAAGAAC[C>G]TACAGGACCCCGTTCTCCTTGAGCACCCTGTACCGAGGCAAAGCAGATGCATGAAGAAAA-3'
Protein context (NP_000384.2, residues 539-559): KGAQGERGPV[Gly549Arg]SSGPKGSQGD

ClinVar aggregate classification (germline): Uncertain significance (1 of 4 stars; one submission).

Conditions:
Ehlers-Danlos syndrome, classic type, 1 (EDSCL1). Also called: Ehlers-Danlos syndrome, type 1; EHLERS-DANLOS SYNDROME, GRAVIS TYPE; EHLERS-DANLOS SYNDROME, SEVERE CLASSIC TYPE; EDS I; Ehlers-Danlos Syndrome, Classic Type, COL5A1-Related. Identifiers: MedGen C0268335, MONDO:0019567, OMIM 130000.

gnomAD v4.1: 15 of 1,613,908 alleles (0.00093%); highest among the groups gnomAD compares: Non-Finnish European, 0.0013%; no homozygotes.

Submission:

Labcorp Genetics (formerly Invitae), Labcorp
Classification: Uncertain significance for Ehlers-Danlos syndrome, classic type, 1. Last evaluated: 2026-01-13. Review status: criteria provided, single submitter. Criteria: Invitae Variant Classification Sherloc (09022015). Collection method: clinical testing. Allele origin: germline.
Comment: This sequence change replaces glycine, which is neutral and non-polar, with arginine, which is basic and polar, at codon 549 of the COL5A2 protein (p.Gly549Arg). This variant is not present in population databases (gnomAD no frequency). This variant has not been reported in the literature in individuals affected with COL5A2-related conditions. ClinVar contains an entry for this variant (Variation ID: 948021). Invitae Evidence Modeling of protein sequence and biophysical properties (such as structural, functional, and spatial information, amino acid conservation, physicochemical variation, residue mobility, and thermodynamic stability) indicates that this missense variant is expected to disrupt COL5A2 protein function with a positive predictive value of 80%. In summary, the available evidence is currently insufficient to determine the role of this variant in disease. Therefore, it has been classified as a Variant of Uncertain Significance.